The following is an entry in ClinVar:

NM_000094.4(COL7A1):c.3496G>A (p.Asp1166Asn)

Gene: COL7A1 (collagen type VII alpha 1 chain; minus strand). Cytogenetic location: 3p21.31.
Variant type: single nucleotide variant.
Coding change: c.3496G>A on transcript NM_000094.4 (MANE Select); coding-DNA position 3496, G replaced by A.
Protein change: p.Asp1166Asn; replaces aspartic acid 1166 with asparagine.
Molecular consequence: missense variant.
Genome position (GRCh38, 1-based): chr3:48,586,386, C>T on the plus strand (G>A on the coding strand, the complement: COL7A1 is on the minus strand). VCF-style: chr3-48586386-C-T. GRCh37 (hg19) VCF-style: chr3-48623819-C-T.
Other names: short protein forms D1166N.
Identifiers: ClinVar variation 1361769 (VCV001361769.5), dbSNP rs759356363, ClinGen allele CA2380504.

ClinVar aggregate classification (germline): Uncertain significance (1 of 4 stars; one submission).

Allele frequency attached by ClinVar (database versions not stated): gnomAD exomes below 0.00001 and 0.00001; ExAC 0.00002.
gnomAD v4.1: 2 of 1,613,910 alleles (0.00012%); highest among the groups gnomAD compares: Non-Finnish European, 0.00017%; no homozygotes.

Submission:

Labcorp Genetics (formerly Invitae), Labcorp
Classification: Uncertain significance. Last evaluated: 2021-08-31. Review status: criteria provided, single submitter. Criteria: Invitae Variant Classification Sherloc (09022015). Collection method: clinical testing. Allele origin: germline.
Comment: This sequence change replaces aspartic acid with asparagine at codon 1166 of the COL7A1 protein (p.Asp1166Asn). The aspartic acid residue is moderately conserved and there is a small physicochemical difference between aspartic acid and asparagine. This variant is present in population databases (rs759356363, ExAC 0.003%). This variant has not been reported in the literature in individuals affected with COL7A1-related conditions. Algorithms developed to predict the effect of missense changes on protein structure and function are either unavailable or do not agree on the potential impact of this missense change (SIFT: "Deleterious"; PolyPhen-2: "Not Available"; Align-GVGD: "Class C0"). In summary, the available evidence is currently insufficient to determine the role of this variant in disease. Therefore, it has been classified as a Variant of Uncertain Significance.